The following is an entry in ClinVar:

ClinVar aggregate classification (germline): Uncertain significance (1 of 4 stars; one submission).

Submission:

Labcorp Genetics (formerly Invitae), Labcorp
Classification: Uncertain significance. Last evaluated: 2022-08-12. Review status: criteria provided, single submitter. Criteria: Invitae Variant Classification Sherloc (09022015). Collection method: clinical testing. Allele origin: germline.
Comment: This sequence change falls in intron 12 of the POLR3A gene. It does not directly change the encoded amino acid sequence of the POLR3A protein. It affects a nucleotide within the consensus splice site. This variant is not present in population databases (gnomAD no frequency). This variant has not been reported in the literature in individuals affected with POLR3A-related conditions. Variants that disrupt the consensus splice site are a relatively common cause of aberrant splicing (PMID: 17576681, 9536098). Algorithms developed to predict the effect of sequence changes on RNA splicing suggest that this variant may disrupt the consensus splice site. In summary, the available evidence is currently insufficient to determine the role of this variant in disease. Therefore, it has been classified as a Variant of Uncertain Significance.

Literature cited by the submitters: PubMed 17576681; PubMed 9536098.

NM_007055.4(POLR3A):c.1643-3T>G

Gene: POLR3A (RNA polymerase III subunit A; minus strand). Cytogenetic location: 10q22.3.
Variant type: single nucleotide variant.
Coding change: c.1643-3T>G on transcript NM_007055.4 (MANE Select); 3 bases into the intron before coding-DNA position 1643, T replaced by G.
Molecular consequence: intron variant.
Genome position (GRCh38, 1-based): chr10:78,009,994, A>C on the plus strand (T>G on the coding strand, the complement: POLR3A is on the minus strand). VCF-style: chr10-78009994-A-C. GRCh37 (hg19) VCF-style: chr10-79769752-A-C.
Identifiers: ClinVar variation 1961648 (VCV001961648.2), dbSNP rs2493220347, ClinGen allele CA2580082046.